The following is an entry in ClinVar:

NM_001205293.3(CACNA1E):c.6827G>C (p.Trp2276Ser)

Gene: CACNA1E (calcium voltage-gated channel subunit alpha1 E; plus strand). Cytogenetic location: 1q25.3.
Variant type: single nucleotide variant.
Coding change: c.6827G>C on transcript NM_001205293.3 (MANE Select); coding-DNA position 6827, G replaced by C.
Protein change: p.Trp2276Ser; replaces tryptophan 2276 with serine.
Molecular consequence: missense variant.
Genome position (GRCh38, 1-based): chr1:181,798,719, G>C. VCF-style: chr1-181798719-G-C. GRCh37 (hg19) VCF-style: chr1-181767855-G-C.
Other names: c.6698G>C, p.Trp2233Ser (NM_000721.4); c.6641G>C, p.Trp2214Ser (NM_001205294.2); short protein forms W2214S, W2233S, W2276S.
Identifiers: ClinVar variation 3625776 (VCV003625776.2).

ClinVar aggregate classification (germline): Uncertain significance (1 of 4 stars; one submission).

Submission:

Labcorp Genetics (formerly Invitae), Labcorp
Classification: Uncertain significance. Last evaluated: 2024-04-12. Review status: criteria provided, single submitter. Criteria: Invitae Variant Classification Sherloc (09022015). Collection method: clinical testing. Allele origin: germline.
Comment: This sequence change replaces tryptophan, which is neutral and slightly polar, with serine, which is neutral and polar, at codon 2233 of the CACNA1E protein (p.Trp2233Ser). This variant is not present in population databases (gnomAD no frequency). This variant has not been reported in the literature in individuals affected with CACNA1E-related conditions. Advanced modeling of protein sequence and biophysical properties (such as structural, functional, and spatial information, amino acid conservation, physicochemical variation, residue mobility, and thermodynamic stability) performed at Invitae indicates that this missense variant is not expected to disrupt CACNA1E protein function with a negative predictive value of 95%. In summary, the available evidence is currently insufficient to determine the role of this variant in disease. Therefore, it has been classified as a Variant of Uncertain Significance.